The following is an entry in ClinVar:

ClinVar aggregate classification (germline): Pathogenic. Review status: criteria provided, single submitter (1 of 4 stars). 2 submissions from 2 submitters: Pathogenic (1). 1 of the submissions does not count toward it. Last evaluated 2024-06-07.

Conditions:
Mucopolysaccharidosis, MPS-II (MPS2). Also called: IDS deficiency; Sulfoiduronate sulfatase deficiency; SIDS deficiency; Mucopolysaccharidosis type 2; Mucopolysaccharidosis Type II; Attenuated MPS (subtype; formerly known as mild MPS II). Identifiers: Orphanet 580, Orphanet 79388, MedGen C0026705, MONDO:0010674, OMIM 309900.

Submissions (2):

Laboratory of Diagnosis and Therapy of Lysosomal Disorders, University of Padova
Classification: Pathogenic for Mucopolysaccharidosis, MPS-II. Last evaluated: 2024-06-07. Review status: criteria provided, single submitter. Criteria: ACMG Guidelines, 2015. Collection method: literature only. Allele origin: germline. Affected: yes. Observed: 1 variant allele.
Comment: Null variant (PVS1_VeryStrong), Absent from controls (or at low frequency) in gnomAD database (PM2_Moderate), Patient’s phenotype or family history highly specific for the disease (PP4_Strong)

Classification method: ACMG Guidelines [PMID:25741868] with modifications

Laboratory of Inherited Metabolic Diseases, Research centre for medical genetics
Classification: Pathogenic for Mucopolysaccharidosis, type II; MPS2. Review status: no assertion criteria provided. Collection method: research. Allele origin: germline. Affected: yes. Not counted in ClinVar's aggregate classification.

Literature cited by the submitters: PubMed 33676511 (cited by Laboratory of Diagnosis and Therapy of Lysosomal Disorders, University of Padova).

NM_000202.8(IDS):c.715_721del (p.Gln239fs)

Genes: IDS (iduronate 2-sulfatase; minus strand), LOC106050102 (IDS recombination region; plus strand). Cytogenetic location: Xq28.
Variant type: Deletion.
Coding change: c.715_721del on transcript NM_000202.8 (MANE Select); coding-DNA positions 715 to 721, 7 bases deleted (CAGAAGT; older notation c.715_721delCAGAAGT).
Protein change: p.Gln239fs; shifts the reading frame from glutamine 239.
Molecular consequence: frameshift variant. On other transcripts: non-coding transcript variant (1).
Genome position (GRCh38, 1-based): chrX:149,496,504-149,496,510, ACTTCTG deleted on the plus strand (CAGAAGT on the coding strand, the reverse complement: IDS is on the minus strand); deleting any 7 consecutive bases within chrX:149,496,504-149,496,511 gives the same sequence; the c. name uses the placement nearest the transcript's 3' end. VCF-style (leftmost placement, unchanged base first): chrX-149496503-AACTTCTG-A. GRCh37 (hg19) VCF-style: chrX-148578034-AACTTCTG-A.
Other names: c.445_451del, p.Gln149fs (NM_001166550.4); c.715_721del, p.Gln239fs (NM_006123.5); short protein forms Q149fs, Q239fs.
Identifiers: ClinVar variation 988680 (VCV000988680.3), dbSNP rs2089438281, ClinGen allele CA2465008724.